The following is an entry in ClinVar:

NM_003384.3(VRK1):c.663C>T (p.His221=)

Gene: VRK1 (VRK serine/threonine kinase 1; plus strand). Cytogenetic location: 14q32.2.
Variant type: single nucleotide variant.
Coding change: c.663C>T on transcript NM_003384.3 (MANE Select); coding-DNA position 663, C replaced by T.
Protein change: p.His221=; no amino-acid change (histidine 221 retained).
Molecular consequence: synonymous variant.
Genome position (GRCh38, 1-based): chr14:96,855,310, C>T. VCF-style: chr14-96855310-C-T. GRCh37 (hg19) VCF-style: chr14-97321647-C-T.
Identifiers: ClinVar variation 743990 (VCV000743990.15), dbSNP rs376006178, ClinGen allele CA7339044.

ClinVar aggregate classification (germline): Likely benign. Review status: criteria provided, multiple submitters, no conflicts (2 of 4 stars). 3 submissions from 3 submitters: Likely benign (2). 1 of the submissions does not count toward it. Last evaluated 2026-06-01.

Conditions:
Pontocerebellar hypoplasia type 1A (PCH1A). Also called: PONTOCEREBELLAR HYPOPLASIA WITH ANTERIOR HORN CELL DISEASE; PONTOCEREBELLAR HYPOPLASIA WITH INFANTILE SPINAL MUSCULAR ATROPHY. Identifiers: Orphanet 2254, Orphanet 88616, MedGen C1843504, MONDO:0011866, OMIM 607596.

Allele frequency attached by ClinVar (database versions not stated): gnomAD exomes 0.00003; gnomAD 0.00004; ExAC 0.00005; TOPMed 0.00005; ESP Exome Variant Server 0.00023.
gnomAD v4.1: 57 of 1,613,938 alleles (0.0035%); highest among the groups gnomAD compares: Middle Eastern, 0.12%; 1 homozygote.

Submissions (3):

CeGaT Center for Human Genetics Tuebingen
Classification: Likely benign. Last evaluated: 2026-06-01. Review status: criteria provided, single submitter. Criteria: CeGaT Center For Human Genetics Tuebingen Variant Classification Criteria Version 2. Collection method: clinical testing. Allele origin: germline. Affected: yes. Observed: 1 variant allele.
Comment: VRK1: BP4, BP7

Labcorp Genetics (formerly Invitae), Labcorp
Classification: Likely benign for Pontocerebellar hypoplasia type 1A. Last evaluated: 2026-01-16. Review status: criteria provided, single submitter. Criteria: Invitae Variant Classification Sherloc (09022015). Collection method: clinical testing. Allele origin: germline.

Natera, Inc.
Classification: Likely benign for Pontocerebellar hypoplasia, type 1a. Last evaluated: 2020-02-14. Review status: no assertion criteria provided. Collection method: clinical testing. Allele origin: germline. Not counted in ClinVar's aggregate classification.